The following is an entry in ClinVar:

NM_007103.4(NDUFV1):c.1357T>G (p.Phe453Val)

Genes: NDUFV1 (NADH:ubiquinone oxidoreductase core subunit V1; plus strand), LOC126861242 (CDK7 strongly-dependent group 2 enhancer GRCh37_chr11:67379204-67380403; plus strand). Cytogenetic location: 11q13.2.
Variant type: single nucleotide variant.
Coding change: c.1357T>G on transcript NM_007103.4 (MANE Select); coding-DNA position 1357, T replaced by G.
Protein change: p.Phe453Val; replaces phenylalanine 453 with valine.
Molecular consequence: missense variant.
Genome position (GRCh38, 1-based): chr11:67,612,420, T>G. VCF-style: chr11-67612420-T-G. GRCh37 (hg19) VCF-style: chr11-67379891-T-G.
Other names: c.1330T>G, p.Phe444Val (NM_001166102.2); short protein forms F444V, F453V.
Identifiers: ClinVar variation 2172550 (VCV002172550.3), dbSNP rs766555792, ClinGen allele CA6143515.

ClinVar aggregate classification (germline): Uncertain significance (1 of 4 stars; one submission).

Allele frequency attached by ClinVar (database versions not stated): gnomAD exomes 0.00001; ExAC 0.00003.
gnomAD v4.1: 4 of 1,612,472 alleles (0.00025%); highest among the groups gnomAD compares: Admixed American, 0.005%; no homozygotes.

Submission:

Labcorp Genetics (formerly Invitae), Labcorp
Classification: Uncertain significance. Last evaluated: 2025-01-06. Review status: criteria provided, single submitter. Criteria: Invitae Variant Classification Sherloc (09022015). Collection method: clinical testing. Allele origin: germline.
Comment: This sequence change replaces phenylalanine, which is neutral and non-polar, with valine, which is neutral and non-polar, at codon 453 of the NDUFV1 protein (p.Phe453Val). This variant is present in population databases (rs766555792, gnomAD 0.009%). This variant has not been reported in the literature in individuals affected with NDUFV1-related conditions. ClinVar contains an entry for this variant (Variation ID: 2172550). Invitae Evidence Modeling of protein sequence and biophysical properties (such as structural, functional, and spatial information, amino acid conservation, physicochemical variation, residue mobility, and thermodynamic stability) has been performed for this missense variant. However, the output from this modeling did not meet the statistical confidence thresholds required to predict the impact of this variant on NDUFV1 protein function. In summary, the available evidence is currently insufficient to determine the role of this variant in disease. Therefore, it has been classified as a Variant of Uncertain Significance.